The following is an entry in ClinVar:

ClinVar aggregate classification (germline): Uncertain significance (1 of 4 stars; one submission).

Submission:

Labcorp Genetics (formerly Invitae), Labcorp
Classification: Uncertain significance. Last evaluated: 2022-05-20. Review status: criteria provided, single submitter. Criteria: Invitae Variant Classification Sherloc (09022015). Collection method: clinical testing. Allele origin: germline.
Comment: This variant is not present in population databases (gnomAD no frequency). In summary, the available evidence is currently insufficient to determine the role of this variant in disease. Therefore, it has been classified as a Variant of Uncertain Significance. Algorithms developed to predict the effect of missense changes on protein structure and function output the following: SIFT: "Deleterious"; PolyPhen-2: "Benign"; Align-GVGD: "Class C45". The asparagine amino acid residue is found in multiple mammalian species, which suggests that this missense change does not adversely affect protein function. This variant has not been reported in the literature in individuals affected with EPHB4-related conditions. This sequence change replaces serine, which is neutral and polar, with asparagine, which is neutral and polar, at codon 642 of the EPHB4 protein (p.Ser642Asn).

NM_004444.5(EPHB4):c.1925G>A (p.Ser642Asn)

Gene: EPHB4 (EPH receptor B4; minus strand). Cytogenetic location: 7q22.1.
Variant type: single nucleotide variant.
Coding change: c.1925G>A on transcript NM_004444.5 (MANE Select); coding-DNA position 1925, G replaced by A.
Protein change: p.Ser642Asn; replaces serine 642 with asparagine.
Molecular consequence: missense variant.
Genome position (GRCh38, 1-based): chr7:100,812,940, C>T on the plus strand (G>A on the coding strand, the complement: EPHB4 is on the minus strand). VCF-style: chr7-100812940-C-T. GRCh37 (hg19) VCF-style: chr7-100410562-C-T.
Other names: short protein forms S642N.
Identifiers: ClinVar variation 1996657 (VCV001996657.4), dbSNP rs2485016624, ClinGen allele CA368570374.